The following is an entry in ClinVar:

NM_000059.4(BRCA2):c.7786G>A (p.Gly2596Arg)

Gene: BRCA2 (BRCA2 DNA repair associated; plus strand). Cytogenetic location: 13q13.1.
Variant type: single nucleotide variant.
Coding change: c.7786G>A on transcript NM_000059.4 (MANE Select); coding-DNA position 7786, G replaced by A.
Protein change: p.Gly2596Arg; replaces glycine 2596 with arginine.
Molecular consequence: missense variant.
Genome position (GRCh38, 1-based): chr13:32,357,910, G>A. VCF-style: chr13-32357910-G-A. GRCh37 (hg19) VCF-style: chr13-32932047-G-A.
Other names: p.G2596R:GGA>AGA; NM_000059.4(BRCA2):c.7786G>A; 8014G>A; short protein forms G2596R.
Identifiers: ClinVar variation 91492 (VCV000091492.34), dbSNP rs398122591, ClinGen allele CA025274.

ClinVar aggregate classification (germline): Uncertain significance. Review status: reviewed by expert panel (3 of 4 stars). 12 submissions from 12 submitters: Uncertain significance (1). 11 of the submissions do not count toward it. Last evaluated 2026-10-29.

Conditions:
BRCA2-related cancer predisposition. Identifiers: MedGen CN377758, MONDO:0700269.
Breast and/or ovarian cancer. Identifiers: MedGen CN221562.
Hereditary cancer-predisposing syndrome. Also called: Hereditary Cancer Syndrome; Tumor predisposition; Neoplastic Syndromes, Hereditary; Hereditary neoplastic syndrome. Identifiers: Orphanet 140162, MedGen C0027672, MeSH D009386, MONDO:0015356.
Hereditary breast ovarian cancer syndrome. Also called: Breast and ovarian cancer; BRCA1- and BRCA2-Associated Hereditary Breast and Ovarian Cancer; Hereditary breast and ovarian cancer; Hereditary breast and ovarian cancer syndrome (HBOC); Hereditary breast and ovarian cancer syndrome; Hereditary breast and/or ovarian cancer syndrome. Identifiers: Orphanet 145, MedGen C0677776, MeSH D061325, MONDO:0003582. Disease mechanism: loss of function.
Breast-ovarian cancer, familial, susceptibility to, 2 (BROVCA2). Also called: BRCA2 Hereditary Breast and Ovarian Cancer. Identifiers: Orphanet 145, MedGen C2675520, MONDO:0012933, OMIM 612555. Disease mechanism: loss of function.
Familial cancer of breast. Also called: BREAST CANCER, FAMILIAL; hereditary breast carcinoma; Hereditary breast cancer. Identifiers: Orphanet 227535, MedGen C0346153, MONDO:0016419, OMIM 114480. Disease mechanism: loss of function.

Allele frequency attached by ClinVar (database versions not stated): gnomAD exomes below 0.00001 and 0.00001; ExAC 0.00001; TOPMed 0.00001.
gnomAD v4.1: 7 of 1,613,946 alleles (0.00043%); highest among the groups gnomAD compares: Non-Finnish European, 0.00059%; no homozygotes.

Submissions 1 to 6 of 12:

ClinGen ENIGMA BRCA1 and BRCA2 Variant Curation Expert Panel, ClinGen
Classification: Uncertain significance for BRCA2-related cancer predisposition. Last evaluated: 2026-10-29. Review status: reviewed by expert panel. Criteria: CSpec BRCA1/2ACMG Rules Specifications V1.2. Collection method: curation. Allele origin: germline. Inheritance: Autosomal dominant inheritance.
Comment: The c.7786G>A variant in BRCA2 is a missense variant predicted to cause substitution of Glycine by Arginine at amino acid 2596 (p.(Gly2596Arg)). The Total GrpMax filtering allele frequency (the lower threshold of the 95% CI) in gnomAD v4.1 is 0.00000247 in the Non-Finnish European genetic ancestry group (based on 7/1179912 alleles) which is below the ENIGMA BRCA1/2 VCEP threshold (>0.00002) for BS1_Supporting and does not meet any population code (BA1, BS1, BS1_Supporting, PM2_Supporting are not met). This BRCA2 missense variant is within a key functional domain, a SpliceAI score of 0.22, predicts an impact on splicing (score threshold >0.20) and the computational predictor BayesDel (noAF) gives a score of 0.45, above the recommended threshold of 0.30 for prediction of impact on BRCA2 function via protein change (PP3 met). Missense variant predicted to alter splicing and predicted to impact via protein change, functional data considered only from assays that measure effect via mRNA and protein. Results from one calibrated study with cDNA based design not considered for code application (PMID:38417439). Reported by three calibrated studies incorporating mRNA splicing effects to exhibit function similar to pathogenic control variants (PMID:33293522, 39779857, 39779848) (PS3 met). Multifactorial likelihood ratio analysis using clinically calibrated data produced a combined LR for this variant of 0.18 (based on Family History LR=0.41, Case control LR=0.45), within the thresholds for moderate benign evidence (LR >0.05 & ≤0.23) (BP5_Moderate met; PMIDs: 31853058, 40413188). In summary, this variant meets the criteria to be classified as a Variant of uncertain significance for BRCA2-related cancer predisposition based on the ACMG/AMP criteria applied as specified by the ENIGMA BRCA1/2 VCEP (PS3, PP3, BP5_Moderate).

Ambry Genetics
Classification: Likely pathogenic for Hereditary cancer-predisposing syndrome. Last evaluated: 2025-12-22. Review status: criteria provided, single submitter. Criteria: Ambry Variant Classification Scheme 2023. Collection method: clinical testing. Allele origin: germline. Not counted in ClinVar's aggregate classification.
Comment: The p.G2596R variant (also known as c.7786G>A), located in coding exon 15 of the BRCA2 gene, results from a G to A substitution at nucleotide position 7786. The glycine at codon 2596 is replaced by arginine, an amino acid with dissimilar properties. Three separate homology-directed DNA repair (HDR) assays have demonstrated p.G2596R is non-functional (Guidugli L et al. Am. J. Hum. Genet., 2018 02;102:233-248; Hart SN et al. Genet. Med., 2019 01;21:71-80; Richardson ME et al. Am J Hum Genet, 2021 Mar;108:458-468). Another alteration at the same codon, p.G2596E (c.7787G>A), has been described as having low functionality in a HDR assay (Guidugli L et al. Am. J. Hum. Genet., 2018 02;102:233-248). Two saturation genome editing-based studies, including a haploid cell-survival assay and a humanized mouse embryonic stem cell line assay of drug response and survival, demonstrate that this nucleotide substitution is non-functional (Huang H et al. Nature. 2025 Feb;638(8050):528-537; Sahu S et al. Nature. 2025 Feb;638(8050):538-545). This amino acid position is highly conserved in available vertebrate species. In addition, this alteration is predicted to be deleterious by in silico analysis. Based on the majority of available evidence to date, this variant is likely to be pathogenic.

Labcorp Genetics (formerly Invitae), Labcorp
Classification: Pathogenic for Hereditary breast ovarian cancer syndrome. Last evaluated: 2025-11-09. Review status: criteria provided, single submitter. Criteria: Invitae Variant Classification Sherloc (09022015). Collection method: clinical testing. Allele origin: germline. Not counted in ClinVar's aggregate classification.
Comment: This sequence change replaces glycine, which is neutral and non-polar, with arginine, which is basic and polar, at codon 2596 of the BRCA2 protein (p.Gly2596Arg). This variant is present in population databases (rs398122591, gnomAD 0.0009%). This missense change has been observed in individual(s) with breast cancer (PMID: 21520333, 30613976). ClinVar contains an entry for this variant (Variation ID: 91492). Invitae Evidence Modeling incorporating data from in vitro experimental studies (PMID: 33609447) indicates that this missense variant is expected to disrupt BRCA2 function with a positive predictive value of 95%. Experimental studies have shown that this missense change affects BRCA2 function (PMID: 29394989, 29884841, 33293522). RNA analysis performed to evaluate the impact of this missense change on mRNA splicing indicates it does not significantly alter splicing (internal data). This variant disrupts the p.Gly2596 amino acid residue in BRCA2. Other variant(s) that disrupt this residue have been determined to be pathogenic (PMID: 34597585). This suggests that this residue is clinically significant, and that variants that disrupt this residue are likely to be disease-causing. For these reasons, this variant has been classified as Pathogenic.

Color Diagnostics, LLC DBA Color Health
Classification: Uncertain significance for Hereditary cancer-predisposing syndrome. Last evaluated: 2025-07-30. Review status: criteria provided, single submitter. Criteria: ACMG Guidelines, 2015. Collection method: clinical testing. Allele origin: germline. Not counted in ClinVar's aggregate classification.
Comment: This missense variant replaces glycine with arginine at codon 2596 in the DNA binding domain of the BRCA2 protein. Computational prediction suggests that this variant may have deleterious impact on protein structure and function. Functional studies have reported that this variant impacted BRCA2 in a haploid cell proliferation assay and in BRCA2-deficient mouse embryonic stem cells cell growth and/or sensitivity assays to cisplatin and PARP inhibitor (PMID: 33293522, 39779848, 39779857). The same protein substitution due to a different nucleotide change, c.7786G>C (p.Gly2596Arg), has been reported to impact BRCA2 in homology-directed DNA repair assays (PMID: 29394989, 33609447). Multifactorial analysis has reached a combined likelihood ratio (LR) of 0.197 based on reported LR for breast cancer case-control, co-occurrence with a pathogenic variant and personal and family history for 2 carriers (PMID: 31853058, 40413188). Three missense substitutions at this codon, including the same protein change and p.Gly2596Glu and p.Gly2596Val, have been reported as disease-causing in ClinVar (variation ID: 421439, 483092, 995946). This variant has been identified in 7/1613946 chromosomes in the general population by the Genome Aggregation Database (gnomAD v4.1.0). Although there is a suspicion that this variant may be associated with disease, additional clinical studies are necessary to determine the role of this variant in disease conclusively. Therefore, this variant is classified as a Variant of Uncertain Significance.

Quest Diagnostics Nichols Institute San Juan Capistrano
Classification: Likely pathogenic. Last evaluated: 2024-10-08. Review status: criteria provided, single submitter. Criteria: Quest Diagnostics criteria. Collection method: clinical testing. Allele origin: unknown. Not counted in ClinVar's aggregate classification.
Comment: Experimental studies show this variant is damaging to homology directed repair (HDR) (PMIDs: 33609447 (2021), 29884841 (2019), 29394989 (2018)), and results in reduced cell survival and drug sensitivity in mouse embryonic cells (PMID: 33293522 (2020)). The frequency of this variant in the general population, 0.000004 (1/251378 chromosomes (Genome Aggregation Database)), is uninformative in the assessment of its pathogenicity. Analysis of this variant using bioinformatics tools for the prediction of the effect of amino acid changes on protein structure and function yielded predictions that this variant is damaging. Based on the available information, this variant is classified as likely pathogenic.

Baylor Genetics
Classification: Uncertain significance for Familial cancer of breast. Last evaluated: 2024-03-29. Review status: criteria provided, single submitter. Criteria: ACMG Guidelines, 2015. Collection method: clinical testing. Allele origin: unknown. Not counted in ClinVar's aggregate classification.